The following is an entry in ClinVar:

NM_014727.3(KMT2B):c.7249G>A (p.Glu2417Lys)

Gene: KMT2B (lysine methyltransferase 2B; plus strand). Cytogenetic location: 19q13.12.
Variant type: single nucleotide variant.
Coding change: c.7249G>A on transcript NM_014727.3 (MANE Select); coding-DNA position 7249, G replaced by A.
Protein change: p.Glu2417Lys; replaces glutamic acid 2417 with lysine.
Molecular consequence: missense variant.
Genome position (GRCh38, 1-based): chr19:35,736,779, G>A. VCF-style: chr19-35736779-G-A. GRCh37 (hg19) VCF-style: chr19-36227680-G-A.
Other names: short protein forms E2417K.
Identifiers: ClinVar variation 4527474 (VCV004527474.1).

ClinVar aggregate classification (germline): Uncertain significance (1 of 4 stars; one submission).

gnomAD v4.1: 5 of 1,613,992 alleles (0.00031%); highest among the groups gnomAD compares: Non-Finnish European, 0.00042%; no homozygotes.

Submission:

GeneDx
Classification: Uncertain significance. Last evaluated: 2025-04-24. Review status: criteria provided, single submitter. Criteria: GeneDx Variant Classification Process June 2021. Collection method: clinical testing. Allele origin: germline. Affected: yes.
Comment: Not observed at significant frequency in large population cohorts (gnomAD); In silico analysis supports that this missense variant has a deleterious effect on protein structure/function; Has not been previously published as pathogenic or benign to our knowledge